The following is an entry in ClinVar:

NM_000540.3(RYR1):c.7879G>A (p.Val2627Met)

Gene: RYR1 (ryanodine receptor 1; plus strand). Cytogenetic location: 19q13.2.
Variant type: single nucleotide variant.
Coding change: c.7879G>A on transcript NM_000540.3 (MANE Select); coding-DNA position 7879, G replaced by A.
Protein change: p.Val2627Met; replaces valine 2627 with methionine.
Molecular consequence: missense variant.
Genome position (GRCh38, 1-based): chr19:38,502,923, G>A. VCF-style: chr19-38502923-G-A. GRCh37 (hg19) VCF-style: chr19-38993563-G-A.
Other names: NM_000540.3(RYR1):c.7879G>A; p.(Val2627Met); NM_001042723.2:c.7879G>A; c.7879G>A (NM_000540.2); c.7879G>A, p.Val2627Met (NM_001042723.2); short protein forms V2627M.
Identifiers: ClinVar variation 872586 (VCV000872586.50), dbSNP rs914804033, ClinGen allele CA405673885.
Genomic context (GRCh38, chr19:38,502,923, plus strand): 5'-TGTGCATTGTCCCGCAGGTACATCCGCCCGTCGATGCTGCAGCACCTGTTGCGCCGCCTG[G>A]TGTTCGACGTGCCCATCCTCAACGAGTTCGCCAAGATGCCACTCAAGGTGAGGGCAAGCG-3'
Protein context (NP_000531.2, residues 2617-2637): SMLQHLLRRL[Val2627Met]FDVPILNEFA

ClinVar aggregate classification (germline): Uncertain significance. Review status: reviewed by expert panel (3 of 4 stars). 5 submissions from 5 submitters: Uncertain significance (1). 4 of the submissions do not count toward it. Last evaluated 2025-08-01.

Conditions:
RYR1-related disorder. Also called: RYR1-related disorders; RYR1-related condition. Identifiers: MedGen CN239331.
Malignant hyperthermia of anesthesia. Also called: Anesthesic-triggered malignant hyperthermia. Identifiers: Orphanet 423, MedGen C0024591, MONDO:0018493, HP:0034733.

gnomAD v4.1: 3 of 1,611,698 alleles (0.00019%); highest among the groups gnomAD compares: Non-Finnish European, 0.00025%; no homozygotes.

Submissions (5):

ClinGen Malignant Hyperthermia Susceptibility Variant Curation Expert Panel, ClinGen
Classification: Uncertain significance for Malignant hyperthermia of anesthesia. Last evaluated: 2025-08-01. Review status: reviewed by expert panel. Criteria: ClinGen MHS ACMG Specifications V2. Collection method: curation. Allele origin: germline. Inheritance: Autosomal dominant inheritance.
Comment: This pathogenicity assessment is relevant only for malignant hyperthermia susceptibility (MHS) inherited in an autosomal dominant pattern. Variants in RYR1 can also cause other myopathies inherited in an autosomal dominant pattern or in an autosomal recessive pattern. Some of these disorders may predispose individuals to malignant hyperthermia. RYR1 variants may also contribute to a malignant hyperthermia reaction in combination with other genetic and non-genetic factors and the clinician needs to consider such factors in making management decisions. This sequence variant predicts a substitution of valine with methionine at codon 2627 of the RYR1 protein, p.(Val2627Met). This variant was not present in a large population database (gnomAD) at the time this variant was interpreted. This variant has been identified in four unrelated individuals who have a personal or family history of a malignant hyperthermia reaction, all of these individuals had a positive in vitro contracture test (IVCT) or caffeine halothane contracture test (CHCT) result (if the proband was unavailable for testing, a positive diagnostic test result in a mutation-positive relative was counted), one of these individuals had a second variant of uncertain significance in RYR1 (p.Thr1431=, potential splice variant) and was not considered for PS4, PS4_Moderate (PMID:30236257; NZ MH investigation unit). This variant segregates with MHS in two individuals from one family, PP1 not met (PMID: 30236257). No functional studies were identified for this variant. This variant does not reside in a hotspot for pathogenic variants that contribute to MHS. A REVEL score of 0.808 supports neither a pathogenic nor a benign status for this variant. This variant has been classified as a Variant of Unknown Significance. Criteria implemented: PS4_Moderate.

Athena Diagnostics
Classification: Likely pathogenic. Last evaluated: 2024-01-05. Review status: criteria provided, single submitter. Criteria: Athena Diagnostics Criteria. Collection method: clinical testing. Allele origin: unknown. Not counted in ClinVar's aggregate classification.
Comment: This variant has been identified in at least one individual with susceptibility to malignant hyperthermia. Evidence using patient-derived sample(s) with this variant suggests the encoded protein has abnormal function, however, these results may be due to other factors (PMID: 30916033). This variant has not been reported in large, multi-ethnic general populations. Computational tools predict that this variant is damaging.

ARUP Laboratories, Molecular Genetics and Genomics, ARUP Laboratories
Classification: Uncertain significance. Last evaluated: 2023-11-27. Review status: criteria provided, single submitter. Criteria: ARUP Molecular Germline Variant Investigation Process 2024. Collection method: clinical testing. Allele origin: germline. Not counted in ClinVar's aggregate classification.
Comment: The RYR1 c.7879G>A; p.Val2627Met variant (rs914804033) is reported in the literature in individuals affected with malignant hyperthermia (Kim 2013, Miller 2018). This variant is also reported in ClinVar (Variation ID: 872586), but is absent from the Genome Aggregation Database (v2.1.1), indicating it is not a common polymorphism. Computational analyses are uncertain whether this variant is neutral or deleterious (REVEL: 0.808). Due to the lack of clinical and functional data, the significance of this variant is uncertain at this time. References: Kim JH et al. Exome sequencing reveals novel rare variants in the ryanodine receptor and calcium channel genes in malignant hyperthermia families. Anesthesiology. 2013 Nov;119(5):1054-65. PMID: 24013571. Miller DM et al. Genetic epidemiology of malignant hyperthermia in the UK. Br J Anaesth. 2018 Oct;121(4):944-952. PMID: 30236257.

Labcorp Genetics (formerly Invitae), Labcorp
Classification: Pathogenic for RYR1-related disorder. Last evaluated: 2023-04-17. Review status: criteria provided, single submitter. Criteria: Invitae Variant Classification Sherloc (09022015). Collection method: clinical testing. Allele origin: germline. Not counted in ClinVar's aggregate classification.
Comment: For these reasons, this variant has been classified as Pathogenic. Advanced modeling of protein sequence and biophysical properties (such as structural, functional, and spatial information, amino acid conservation, physicochemical variation, residue mobility, and thermodynamic stability) performed at Invitae indicates that this missense variant is expected to disrupt RYR1 protein function. ClinVar contains an entry for this variant (Variation ID: 872586). This missense change has been observed in individual(s) with autosomal dominant malignant hyperthermia (PMID: 24013571, 30236257). It has also been observed to segregate with disease in related individuals. This variant is not present in population databases (gnomAD no frequency). This sequence change replaces valine, which is neutral and non-polar, with methionine, which is neutral and non-polar, at codon 2627 of the RYR1 protein (p.Val2627Met).

CeGaT Center for Human Genetics Tuebingen
Classification: Pathogenic. Last evaluated: 2019-12-01. Review status: criteria provided, single submitter. Criteria: CeGaT Center For Human Genetics Tuebingen Variant Classification Criteria Version 2. Collection method: clinical testing. Allele origin: germline. Affected: yes. Observed: 1 variant allele. Not counted in ClinVar's aggregate classification.

Literature cited by the submitters: PubMed 30916033 (cited by Athena Diagnostics); PubMed 32236737 (cited by Athena Diagnostics); PubMed 30236257 (cited by Athena Diagnostics and Labcorp Genetics (formerly Invitae), Labcorp); PubMed 24013571 (cited by Athena Diagnostics and Labcorp Genetics (formerly Invitae), Labcorp).